The following is an entry in ClinVar:

ClinVar aggregate classification (germline): Uncertain significance. Review status: criteria provided, multiple submitters, no conflicts (2 of 4 stars). 2 submissions from 2 submitters: Uncertain significance (2). Last evaluated 2025-08-05.

Conditions:
Primary dilated cardiomyopathy (DCM). Also called: Dilated Cardiomyopathy. Identifiers: Orphanet 217604, MedGen C0007193, MeSH D002311, MONDO:0005021, HP:0001644. Inheritance: Various modes of inheritance.
Hypertrophic cardiomyopathy. Also called: HYPERTROPHIC MYOCARDIOPATHY. Identifiers: Orphanet 217569, MedGen C0007194, MeSH D002312, MONDO:0005045, HP:0001639.

Allele frequency attached by ClinVar (database versions not stated): gnomAD exomes below 0.00001; ExAC 0.00001.

Submissions (2):

Labcorp Genetics (formerly Invitae), Labcorp
Classification: Uncertain significance for Hypertrophic cardiomyopathy; Primary dilated cardiomyopathy. Last evaluated: 2025-08-05. Review status: criteria provided, single submitter. Criteria: Invitae Variant Classification Sherloc (09022015). Collection method: clinical testing. Allele origin: germline.
Comment: This sequence change replaces arginine, which is basic and polar, with tryptophan, which is neutral and slightly polar, at codon 272 of the PDLIM3 protein (p.Arg272Trp). The frequency data for this variant in the population databases is considered unreliable, as metrics indicate poor data quality at this position in the gnomAD database. This variant has not been reported in the literature in individuals affected with PDLIM3-related conditions. ClinVar contains an entry for this variant (Variation ID: 2530886). Invitae Evidence Modeling of protein sequence and biophysical properties (such as structural, functional, and spatial information, amino acid conservation, physicochemical variation, residue mobility, and thermodynamic stability) indicates that this missense variant is expected to disrupt PDLIM3 protein function with a positive predictive value of 80%. In summary, the available evidence is currently insufficient to determine the role of this variant in disease. Therefore, it has been classified as a Variant of Uncertain Significance.

Ambry Genetics
Classification: Uncertain significance. Last evaluated: 2023-03-29. Review status: criteria provided, single submitter. Criteria: Ambry Variant Classification Scheme 2023. Collection method: clinical testing. Allele origin: germline.

NM_014476.6(PDLIM3):c.814C>T (p.Arg272Trp)

Gene: PDLIM3 (PDZ and LIM domain 3; minus strand). Cytogenetic location: 4q35.1.
Variant type: single nucleotide variant.
Coding change: c.814C>T on transcript NM_014476.6 (MANE Select); coding-DNA position 814, C replaced by T.
Protein change: p.Arg272Trp; replaces arginine 272 with tryptophan.
Molecular consequence: missense variant. On other transcripts: non-coding transcript variant (1).
Genome position (GRCh38, 1-based): chr4:185,504,566, G>A on the plus strand (C>T on the coding strand, the complement: PDLIM3 is on the minus strand). VCF-style: chr4-185504566-G-A. GRCh37 (hg19) VCF-style: chr4-186425720-G-A.
Other names: c.670C>T, p.Arg224Trp (NM_001114107.5); c.550C>T, p.Arg184Trp (NM_001257962.2); c.313C>T, p.Arg105Trp (NM_001257963.2); short protein forms R105W, R184W, R272W, R224W.
Identifiers: ClinVar variation 2530886 (VCV002530886.3), dbSNP rs776026329, ClinGen allele CA3159678.